The following is an entry in ClinVar:

ClinVar aggregate classification (germline): Likely pathogenic (1 of 4 stars; one submission).

Conditions:
Telangiectasia, hereditary hemorrhagic, type 1 (HHT1). Also called: Osler Weber Rendu syndrome type 1; ENG-Related Hereditary Hemorrhagic Telangiectasia. Identifiers: Orphanet 774, MedGen C4551861, MONDO:0008535, OMIM 187300. Disease mechanism: loss of function.

Submission:

Medical Genetics Unit, Mauro Baschirotto Institute for Rare Disease
Classification: Likely pathogenic for Telangiectasia, hereditary hemorrhagic, type 1. Last evaluated: 2026-10-06. Review status: criteria provided, single submitter. Criteria: ACMG Guidelines, 2015. Collection method: clinical testing. Allele origin: germline. Affected: yes.
Comment: The c.1360del, p.Leu454Serfs*37 variant in ENG consists of a single-nucleotide deletion within the coding sequence that alters the reading frame starting at codon leucine 454. This frameshift changes the downstream amino acid sequence and introduces a premature termination codon 37 residues downstream from the new reading frame. The variant is located within the coding region corresponding to exons 11–12 of ENG and affects the protein sequence from residue 454 onward, resulting in a truncated endoglin protein with an altered C-terminal region. The variant is located well before the end of the ENG coding sequence. The resulting premature stop is therefore compatible with nonsense-mediated mRNA decay (NMD) and/or production of a substantially truncated protein. The variant is extremely rare in gnomAD population databases, supporting PM2. Overall, the variant is classified as Likely Pathogenic (PVS1 and PM2) according to ACMG/AMP criteria.

NM_001114753.3(ENG):c.1360del (p.Leu454fs)

Genes: ENG (endoglin; minus strand), LOC102723566 (uncharacterized LOC102723566; plus strand). Cytogenetic location: 9q34.11.
Variant type: Deletion.
Coding change: c.1360del on transcript NM_001114753.3 (MANE Select); coding-DNA position 1360, one base deleted (C; older notation c.1360delC).
Protein change: p.Leu454fs; shifts the reading frame from leucine 454.
Molecular consequence: frameshift variant.
Genome position (GRCh38, 1-based): chr9:127,818,784, G deleted on the plus strand (C on the coding strand, the reverse complement: ENG is on the minus strand); the first of 2 consecutive G bases (chr9:127,818,784-127,818,785); deleting either gives the same sequence. VCF-style (leftmost placement, unchanged base first): chr9-127818783-AG-A. GRCh37 (hg19) VCF-style: chr9-130581062-AG-A.
Other names: c.1360del, p.Leu454fs (NM_000118.4); c.814del, p.Leu272fs (NM_001278138.2); short protein forms L272fs, L454fs.
Identifiers: ClinVar variation 5041962 (VCV005041962.1).